The following is an entry in ClinVar:

ClinVar aggregate classification (germline): Uncertain significance. Review status: criteria provided, multiple submitters, no conflicts (2 of 4 stars). 2 submissions from 2 submitters: Uncertain significance (2). Last evaluated 2025-05-28.

Conditions:
Hereditary cancer-predisposing syndrome. Also called: Hereditary neoplastic syndrome; Neoplastic Syndromes, Hereditary; Tumor predisposition; Hereditary Cancer Syndrome. Identifiers: Orphanet 140162, MedGen C0027672, MeSH D009386, MONDO:0015356.
Hereditary breast ovarian cancer syndrome. Also called: Hereditary breast and ovarian cancer syndrome; BRCA1- and BRCA2-Associated Hereditary Breast and Ovarian Cancer; Hereditary breast and ovarian cancer; Hereditary breast and ovarian cancer syndrome (HBOC); Breast and ovarian cancer; Hereditary breast and/or ovarian cancer syndrome. Identifiers: Orphanet 145, MedGen C0677776, MeSH D061325, MONDO:0003582. Disease mechanism: loss of function.

Submissions (2):

Labcorp Genetics (formerly Invitae), Labcorp
Classification: Uncertain significance for Hereditary breast ovarian cancer syndrome. Last evaluated: 2025-05-28. Review status: criteria provided, single submitter. Criteria: Invitae Variant Classification Sherloc (09022015). Collection method: clinical testing. Allele origin: germline.
Comment: This sequence change affects codon 159 of the BRCA2 mRNA. It is a 'silent' change, meaning that it does not change the encoded amino acid sequence of the BRCA2 protein. This variant is not present in population databases (gnomAD no frequency). This variant has not been reported in the literature in individuals affected with BRCA2-related conditions. ClinVar contains an entry for this variant (Variation ID: 3825344). Algorithms developed to predict the effect of sequence changes on RNA splicing suggest that this variant may disrupt the consensus splice site. In summary, the available evidence is currently insufficient to determine the role of this variant in disease. Therefore, it has been classified as a Variant of Uncertain Significance.

Ambry Genetics
Classification: Uncertain significance for Hereditary cancer-predisposing syndrome. Last evaluated: 2025-01-25. Review status: criteria provided, single submitter. Criteria: Ambry Variant Classification Scheme 2023. Collection method: clinical testing. Allele origin: germline.
Comment: The c.477G>A variant (also known as p.V159V), located in coding exon 5 of the BRCA2 gene, results from a G to A substitution at nucleotide position 477. This nucleotide substitution does not change the amino acid at codon 159. This nucleotide position is not well conserved in available vertebrate species. In silico splice site analysis predicts that this alteration will result in the creation or strengthening of a novel splice acceptor site. RNA studies have demonstrated that this alteration results in an incomplete splice defect; the clinical impact of this abnormal splicing is unknown at this time (Ambry internal data). Based on the available evidence, the clinical significance of this variant remains unclear.

NM_000059.4(BRCA2):c.477G>A (p.Val159=)

Gene: BRCA2 (BRCA2 DNA repair associated; plus strand). Cytogenetic location: 13q13.1.
Variant type: single nucleotide variant.
Coding change: c.477G>A on transcript NM_000059.4 (MANE Select); coding-DNA position 477, G replaced by A.
Protein change: p.Val159=; no amino-acid change (valine 159 retained).
Molecular consequence: synonymous variant. On other transcripts: non-coding transcript variant (1).
Genome position (GRCh38, 1-based): chr13:32,326,243, G>A. VCF-style: chr13-32326243-G-A. GRCh37 (hg19) VCF-style: chr13-32900380-G-A.
Other names: c.477G>A, p.Val159= (NM_001406719.1, NM_001406720.1, NM_001406721.1 and 1 more transcripts); c.108G>A, p.Val36= (NM_001406722.1).
Identifiers: ClinVar variation 3825344 (VCV003825344.2).